The following is an entry in ClinVar:

NM_013382.7(POMT2):c.1944A>G (p.Thr648=)

Gene: POMT2 (protein O-mannosyltransferase 2; minus strand). Cytogenetic location: 14q24.3.
Variant type: single nucleotide variant.
Coding change: c.1944A>G on transcript NM_013382.7 (MANE Select); coding-DNA position 1944, A replaced by G.
Protein change: p.Thr648=; no amino-acid change (threonine 648 retained).
Molecular consequence: synonymous variant.
Genome position (GRCh38, 1-based): chr14:77,278,817, T>C on the plus strand (A>G on the coding strand, the complement: POMT2 is on the minus strand). VCF-style: chr14-77278817-T-C. GRCh37 (hg19) VCF-style: chr14-77745160-T-C.
Identifiers: ClinVar variation 385911 (VCV000385911.10), dbSNP rs148146976, ClinGen allele CA7285587.

ClinVar aggregate classification (germline): Benign/Likely benign. Review status: criteria provided, multiple submitters, no conflicts (2 of 4 stars). 2 submissions from 2 submitters: Benign (1); Likely benign (1). Last evaluated 2024-10-21.

Conditions:
Muscular dystrophy-dystroglycanopathy (congenital with brain and eye anomalies), type A2. Also called: MUSCULAR DYSTROPHY-DYSTROGLYCANOPATHY (CONGENITAL WITH BRAIN AND EYE ANOMALIES), TYPE A, 2; WALKER-WARBURG SYNDROME OR MUSCLE-EYE-BRAIN DISEASE, POMT2-RELATED. Identifiers: Orphanet 588, Orphanet 899, MedGen C3150411, MONDO:0013154, OMIM 613150.
Muscular dystrophy-dystroglycanopathy (congenital with impaired intellectual development), type B, 2. Also called: Muscular dystrophy-dystroglycanopathy (congenital with intellectual disability), type B2; MUSCULAR DYSTROPHY, CONGENITAL, POMT2-RELATED. Identifiers: MedGen C3150416, MONDO:0013160, OMIM 613156.
Autosomal recessive limb-girdle muscular dystrophy type 2N. Also called: MUSCULAR DYSTROPHY-DYSTROGLYCANOPATHY, LIMB-GIRDLE, POMT2-RELATED; Muscular dystrophy-dystroglycanopathy (limb-girdle), type C, 2. Identifiers: Orphanet 206559, MedGen C3150418, MONDO:0013162, OMIM 613158.

Allele frequency attached by ClinVar (database versions not stated): TOPMed 0.00001; ExAC 0.00021; gnomAD exomes 0.00023 and 0.00013; ESP Exome Variant Server 0.00008; gnomAD 0.00026 and 0.00023.
gnomAD v4.1: 220 of 1,613,166 alleles (0.014%); highest among the groups gnomAD compares: Non-Finnish European, 0.0056%; no homozygotes.

Submissions (2):

Labcorp Genetics (formerly Invitae), Labcorp
Classification: Benign for Muscular dystrophy-dystroglycanopathy (congenital with impaired intellectual development), type B, 2; Muscular dystrophy-dystroglycanopathy (congenital with brain and eye anomalies), type A2; Autosomal recessive limb-girdle muscular dystrophy type 2N. Last evaluated: 2024-10-21. Review status: criteria provided, single submitter. Criteria: Invitae Variant Classification Sherloc (09022015). Collection method: clinical testing. Allele origin: germline.

GeneDx
Classification: Likely benign. Last evaluated: 2016-05-13. Review status: criteria provided, single submitter. Criteria: GeneDx Variant Classification (06012015). Collection method: clinical testing. Allele origin: germline. Affected: yes.
Comment: This variant is considered likely benign or benign based on one or more of the following criteria: it is a conservative change, it occurs at a poorly conserved position in the protein, it is predicted to be benign by multiple in silico algorithms, and/or has population frequency not consistent with disease.